The following is an entry in ClinVar:

NM_017739.4(POMGNT1):c.1212-3_1212-2del

Genes: POMGNT1 (protein O-linked mannose N-acetylglucosaminyltransferase 1 (beta 1,2-); minus strand), TSPAN1 (tetraspanin 1; plus strand). Cytogenetic location: 1p34.1.
Variant type: Deletion.
Coding change: c.1212-3_1212-2del on transcript NM_017739.4 (MANE Select); 3 bases into the intron before coding-DNA position 1212 through the canonical splice acceptor site of the intron before coding-DNA position 1212, 2 bases deleted (CA; older notation c.1212-3_1212-2delCA).
Molecular consequence: splice acceptor variant.
Genome position (GRCh38, 1-based): chr1:46,192,592-46,192,593, TG deleted on the plus strand (CA on the coding strand, the reverse complement: POMGNT1 is on the minus strand). VCF-style (leftmost placement, unchanged base first): chr1-46192591-CTG-C. GRCh37 (hg19) VCF-style: chr1-46658263-CTG-C.
Other names: c.1212-3_1212-2delCA (NM_017739.4); c.1212-3_1212-2del (NM_001243766.2, NM_001438686.1, NM_001438688.1 and 3 more transcripts); c.1146-3_1146-2del (NM_001290129.3, NM_001438691.1, NM_001438692.1); c.783-3_783-2del (NM_001290130.2).
Identifiers: ClinVar variation 424898 (VCV000424898.50), dbSNP rs1064797111, ClinGen allele CA16621565.
Genomic context (GRCh38, chr1:46,192,591, plus strand): 5'-GCAGAGATGCAGTACAGGCTGTCATCCTCCTCCAGTAGGTGGATGGATTGGCTCAGGAAA[CTG>C]AGAGAGGCAGGGTCAAAGAGTTCAGGGAGGGACAAGGATAAATCTAGTCACACAGAGATG-3'

ClinVar aggregate classification (germline): Conflicting classifications of pathogenicity. Review status: criteria provided, conflicting classifications (1 of 4 stars). 4 submissions from 4 submitters: Likely pathogenic (2); Uncertain significance (2). Last evaluated 2023-01-24.

Conditions:
Muscular dystrophy-dystroglycanopathy (congenital with impaired intellectual development), type B, 3. Also called: Muscular dystrophy-dystroglycanopathy (congenital with intellectual disability), type B3; MUSCULAR DYSTROPHY, CONGENITAL, POMGNT1-RELATED. Identifiers: MedGen C3150412, MONDO:0013155, OMIM 613151.
Autosomal recessive limb-girdle muscular dystrophy type 2O. Also called: Limb-Girdle Muscular Dystrophy Type 3C; MUSCULAR DYSTROPHY-DYSTROGLYCANOPATHY (LIMB-GIRDLE), TYPE C, 3; MUSCULAR DYSTROPHY-DYSTROGLYCANOPATHY, LIMB-GIRDLE, POMGNT1-RELATED. Identifiers: Orphanet 206564, MedGen C3150417, MONDO:0013161, OMIM 613157.
Muscular dystrophy-dystroglycanopathy. Also called: Congenital muscular dystrophy due to dystroglycanopathy. Identifiers: Orphanet 370953, MedGen C5679911, MONDO:0018276.

Allele frequency attached by ClinVar (database versions not stated): gnomAD exomes below 0.00001.

Submissions (5):

Broad Center for Mendelian Genomics, Broad Institute of MIT and Harvard
Classification: Uncertain significance for Muscular dystrophy-dystroglycanopathy. Last evaluated: 2023-01-24. Review status: criteria provided, single submitter. Criteria: ACMG Guidelines, 2015. Collection method: curation. Allele origin: germline. Inheritance: Autosomal recessive inheritance.
Comment: The c.1212-3_1212-2del variant in POMGNT1 has been reported in one individual, in the compound heterozygous state, with muscular dystrophy-dystroglycanopathy (ClinVar accession number SCV002029242.2), and has been identified in 0.005% (1/18386) of East Asian chromosomes by the Genome Aggregation Database (gnomAD; dbSNP ID: rs1064797111). Although this variant has been seen in the general population in a heterozygous state, its frequency is low enough to be consistent with a recessive carrier frequency. This variant has also been reported in ClinVar (Variation ID#:424898) and has been interpreted as likely pathogenic by Invitae and CeGaT Center for Human Genetics Tuebingen and as a variant of uncertain significance by Royal Melbourne Hospital Molecular Genetics. This variant is located in the 3' splice region. Computational tools predict a splicing impact, though this information is not predictive enough to determine pathogenicity. There is an in-frame cryptic splice site 9 bases from the intron-exon boundary, providing evidence that this variant may delete 3 amino acids instead of causing loss of function. However, this information is not predictive enough to determine pathogenicity. In summary, while there is some suspicion for a pathogenic role, the clinical significance of this variant is uncertain. ACMG/AMP Criteria applied: PVS1_moderate, PM2_supporting, PM3 (Richards 2015).

Molecular Genetics, Royal Melbourne Hospital
Classification: Uncertain significance for Muscular dystrophy-dystroglycanopathy (congenital with impaired intellectual development), type B, 3. Last evaluated: 2021-12-02. Review status: criteria provided, single submitter. Criteria: ACMG Guidelines, 2015. Collection method: clinical testing. Allele origin: germline.
Comment: This sequence change in POMGNT1 occurs within the canonical splice acceptor site (-2) of intron 14. It is predicted to cause an in-frame deletion (removes amino acids 405-407) that is predicted to escape nonsense mediated decay and remove <10% of the protein. This variant is present in a single individual in gnomAD v2.1 (1/18,386 alleles) in the East Asian population, which is consistent with a recessive condition. To our knowledge, this variant has not been reported in the literature in any individuals with POMGNT1-related disease. It has been reported as likely pathogenic (ClinVar Variation ID: 424898). Based on the classification scheme RMH Modified ACMG Guidelines v1.4.0, this variant is classified as a VARIANT OF UNCERTAIN SIGNIFICANCE. Following criteria are met: PVS1_Moderate, PM3, PM2_Supporting.

Labcorp Genetics (formerly Invitae), Labcorp
Classification: Likely pathogenic for Autosomal recessive limb-girdle muscular dystrophy type 2O; Muscular dystrophy-dystroglycanopathy (congenital with impaired intellectual development), type B, 3. Last evaluated: 2020-07-03. Review status: criteria provided, single submitter. Criteria: Invitae Variant Classification Sherloc (09022015). Collection method: clinical testing. Allele origin: germline.
Comment: This sequence change affects an acceptor splice site in intron 14 of the POMGNT1 gene. It is expected to disrupt RNA splicing and likely results in an absent or disrupted protein product. This variant is not present in population databases (ExAC no frequency). This variant has not been reported in the literature in individuals with POMGNT1-related conditions. ClinVar contains an entry for this variant (Variation ID: 424898). Algorithms developed to predict the effect of sequence changes on RNA splicing suggest that this variant may disrupt the consensus splice site, but this prediction has not been confirmed by published transcriptional studies. Donor and acceptor splice site variants typically lead to a loss of protein function (PMID: 16199547), and loss-of-function variants in POMGNT1 are known to be pathogenic (PMID: 19299310, 20816175, 21447391, 26908613, 27391550). In summary, the currently available evidence indicates that the variant is pathogenic, but additional data are needed to prove that conclusively. Therefore, this variant has been classified as Likely Pathogenic.

CeGaT Center for Human Genetics Tuebingen
Classification: Likely pathogenic. Last evaluated: 2016-11-01. Review status: criteria provided, single submitter. Criteria: CeGaT Center For Human Genetics Tuebingen Variant Classification Criteria Version 2. Collection method: clinical testing. Allele origin: germline. Affected: yes. Observed: 1 variant allele.

Dr. Peter K. Rogan Lab, Western University
No classification provided (evidence only). Condition: Familial pancreatic carcinoma. Review status: no classification provided. Collection method: in vitro. Allele origin: not applicable. Functional consequence: skipped exon, retained intron. Not counted in ClinVar's aggregate classification.

Literature cited by the submitters: PubMed 16199547 (cited by Labcorp Genetics (formerly Invitae), Labcorp); PubMed 19299310 (cited by Labcorp Genetics (formerly Invitae), Labcorp); PubMed 20816175 (cited by Labcorp Genetics (formerly Invitae), Labcorp); PubMed 21447391 (cited by Labcorp Genetics (formerly Invitae), Labcorp); PubMed 26908613 (cited by Labcorp Genetics (formerly Invitae), Labcorp); PubMed 27391550 (cited by Labcorp Genetics (formerly Invitae), Labcorp).